The following is an entry in ClinVar:

NM_020297.4(ABCC9):c.3059C>T (p.Ser1020Leu)

Gene: ABCC9 (ATP binding cassette subfamily C member 9; minus strand). Cytogenetic location: 12p12.1.
Variant type: single nucleotide variant.
Coding change: c.3059C>T on transcript NM_020297.4 (MANE Select); coding-DNA position 3059, C replaced by T.
Protein change: p.Ser1020Leu; replaces serine 1020 with leucine.
Molecular consequence: missense variant.
Genome position (GRCh38, 1-based): chr12:21,845,640, G>A on the plus strand (C>T on the coding strand, the complement: ABCC9 is on the minus strand). VCF-style: chr12-21845640-G-A. GRCh37 (hg19) VCF-style: chr12-21998574-G-A.
Other names: c.3059C>T, p.Ser1020Leu (NM_001377273.1, NM_005691.4); c.2192C>T, p.Ser731Leu (NM_001377274.1); short protein forms S731L, S1020L.
Identifiers: ClinVar variation 3708231 (VCV003708231.2).

ClinVar aggregate classification (germline): Uncertain significance (1 of 4 stars; one submission).

Conditions:
Dilated cardiomyopathy 1O (CMD1O). Also called: CARDIOMYOPATHY, DILATED, WITH VENTRICULAR TACHYCARDIA. Identifiers: Orphanet 154, MedGen C1837839, MONDO:0012062, OMIM 608569.

Submission:

Labcorp Genetics (formerly Invitae), Labcorp
Classification: Uncertain significance for Dilated cardiomyopathy 1O. Last evaluated: 2024-12-05. Review status: criteria provided, single submitter. Criteria: Invitae Variant Classification Sherloc (09022015). Collection method: clinical testing. Allele origin: germline.
Comment: This sequence change replaces serine, which is neutral and polar, with leucine, which is neutral and non-polar, at codon 1020 of the ABCC9 protein (p.Ser1020Leu). This variant is not present in population databases (gnomAD no frequency). This variant has not been reported in the literature in individuals affected with ABCC9-related conditions. Invitae Evidence Modeling of protein sequence and biophysical properties (such as structural, functional, and spatial information, amino acid conservation, physicochemical variation, residue mobility, and thermodynamic stability) indicates that this missense variant is expected to disrupt ABCC9 protein function with a positive predictive value of 95%. In summary, the available evidence is currently insufficient to determine the role of this variant in disease. Therefore, it has been classified as a Variant of Uncertain Significance.